The following is an entry in ClinVar:

NM_001005388.3(NFASC):c.2917ACC[2] (p.Thr975_Thr976del)

Gene: NFASC (neurofascin; plus strand). Cytogenetic location: 1q32.1.
Variant type: Microsatellite.
Coding change: c.2917ACC[2] on transcript NM_001005388.3 (MANE Select); two copies in a row of the 3-base unit ACC starting at c.2917; the reference has four copies in a row; two copies, 6 bases deleted.
Protein change: p.Thr975_Thr976del.
Molecular consequence: intron variant (on NM_001160332.2).
Genome position (GRCh38, 1-based): chr1:204,997,310-204,997,315, ACCACC deleted; deleting any 6 consecutive bases within chr1:204,997,302-204,997,315 gives the same sequence; the position shown is the placement nearest the transcript's 3' end. VCF-style (leftmost placement, unchanged base first): chr1-204997301-GCCACCA-G. GRCh37 (hg19) VCF-style: chr1-204966429-GCCACCA-G.
Other names: c.3238ACC[2], p.Thr1082_Thr1083del (NM_001378329.1); c.3091+5996CCA[2] (NM_001160332.2); c.3076+8496CCA[2] (NM_015090.4); c.2755+8496CCA[2] (NM_001365986.1); c.3136+5996CCA[2] (NM_001160331.2).
Identifiers: ClinVar variation 4085595 (VCV004085595.8).

ClinVar aggregate classification (germline): Likely benign (1 of 4 stars; one submission).

Submission:

CeGaT Center for Human Genetics Tuebingen
Classification: Likely benign. Last evaluated: 2025-07-01. Review status: criteria provided, single submitter. Criteria: CeGaT Center For Human Genetics Tuebingen Variant Classification Criteria Version 2. Collection method: clinical testing. Allele origin: germline. Affected: yes. Observed: 1 variant allele.
Comment: NFASC: BP3